The following is an entry in ClinVar:

ClinVar aggregate classification (germline): Likely benign. Review status: criteria provided, multiple submitters, no conflicts (2 of 4 stars). 4 submissions from 4 submitters: Likely benign (3). 1 of the submissions does not count toward it. Last evaluated 2025-08-25.

Conditions:
Acyl-CoA dehydrogenase 9 deficiency. Also called: Acyl-CoA dehydrogenase family, member 9, deficiency of; MITOCHONDRIAL COMPLEX I DEFICIENCY, NUCLEAR TYPE 20. Identifiers: Orphanet 99901, MedGen C4747517, MONDO:0012624, OMIM 611126.

Allele frequency attached by ClinVar (database versions not stated): ExAC 0.00002; gnomAD exomes 0.00002 and 0.00003; TOPMed 0.00002; gnomAD 0.00003; ESP Exome Variant Server 0.00008.
gnomAD v4.1: 28 of 1,614,050 alleles (0.0017%); highest among the groups gnomAD compares: Middle Eastern, 0.017%; no homozygotes.

Submissions (4):

Labcorp Genetics (formerly Invitae), Labcorp
Classification: Likely benign. Last evaluated: 2025-08-25. Review status: criteria provided, single submitter. Criteria: Invitae Variant Classification Sherloc (09022015). Collection method: clinical testing. Allele origin: germline.

Mayo Clinic Laboratories, Mayo Clinic
Classification: Likely benign. Last evaluated: 2025-03-31. Review status: criteria provided, single submitter. Criteria: ACMG Guidelines, 2015. Collection method: clinical testing. Allele origin: germline. Observed: 1 variant allele.
Comment: BP4, BP7, PM2_supporting

Blueprint Genetics
Classification: Likely benign. Last evaluated: 2024-01-11. Review status: criteria provided, single submitter. Criteria: ACMG Guidelines, 2015. Collection method: clinical testing. Allele origin: germline.

Natera, Inc.
Classification: Likely benign for ACAD9 deficiency. Last evaluated: 2020-10-09. Review status: no assertion criteria provided. Collection method: clinical testing. Allele origin: germline. Not counted in ClinVar's aggregate classification.

NM_014049.5(ACAD9):c.1533C>T (p.Thr511=)

Gene: ACAD9 (acyl-CoA dehydrogenase family member 9; plus strand). Cytogenetic location: 3q21.3.
Variant type: single nucleotide variant.
Coding change: c.1533C>T on transcript NM_014049.5 (MANE Select); coding-DNA position 1533, C replaced by T.
Protein change: p.Thr511=; no amino-acid change (threonine 511 retained).
Molecular consequence: synonymous variant. On other transcripts: non-coding transcript variant (1).
Genome position (GRCh38, 1-based): chr3:128,909,391, C>T. VCF-style: chr3-128909391-C-T. GRCh37 (hg19) VCF-style: chr3-128628234-C-T.
Other names: p.Thr511=.
Identifiers: ClinVar variation 754660 (VCV000754660.14), dbSNP rs376637096, ClinGen allele CA2601580.
Genomic context (GRCh38, chr3:128,909,391, plus strand): 5'-TCTTGGTTAATAGGACAGTGCCAACAAGTTTGAGGAGAACACCTACTGCTTCGGCCGGAC[C>T]GTGGAGACACTGCTGCTCCGCTTTGGCAAGGTAACCAGGCCCTCCCAGGCCTGGGTCGCA-3'
Protein context (NP_054768.2, residues 501-521): FEENTYCFGR[Thr511=]VETLLLRFGK